The following is an entry in ClinVar:

NM_012073.5(CCT5):c.1A>T (p.Met1Leu)

Gene: CCT5 (chaperonin containing TCP1 subunit 5; plus strand). Cytogenetic location: 5p15.2.
Variant type: single nucleotide variant.
Coding change: c.1A>T on transcript NM_012073.5 (MANE Select); coding-DNA position 1, A replaced by T.
Protein change: p.Met1Leu; changes the start codon (methionine 1).
Molecular consequence: missense variant, initiator codon variant. On other transcripts: intron variant (1).
Genome position (GRCh38, 1-based): chr5:10,250,341, A>T. VCF-style: chr5-10250341-A-T. GRCh37 (hg19) VCF-style: chr5-10250453-A-T.
Other names: c.1A>T, p.Met1Leu (NM_001306154.2); c.42+296A>T (NM_001306153.1); short protein forms M1L.
Identifiers: ClinVar variation 1357641 (VCV001357641.8), dbSNP rs765917279, ClinGen allele CA359179012.
Genomic context (GRCh38, chr5:10,250,341, plus strand): 5'-CATTCTCGCTTCCGTAGCGGTCTCCGCCGGTTGGGGGGAAGTAATTCCGGTTGTTGCACC[A>T]TGGCGTCCATGGGGACCCTCGCCTTCGATGAATATGGGCGCCCTTTCCTCATCATCAAGG-3'
Protein context (NP_036205.1, residues 1-11): [Met1Leu]ASMGTLAFDE

ClinVar aggregate classification (germline): Uncertain significance (1 of 4 stars; one submission).

Conditions:
Hereditary sensory and autonomic neuropathy with spastic paraplegia (HSNSP). Identifiers: Orphanet 139578, MedGen C1850395, MONDO:0009748, OMIM 256840.

Submission:

Labcorp Genetics (formerly Invitae), Labcorp
Classification: Uncertain significance for Hereditary sensory and autonomic neuropathy with spastic paraplegia. Last evaluated: 2021-05-31. Review status: criteria provided, single submitter. Criteria: Invitae Variant Classification Sherloc (09022015). Collection method: clinical testing. Allele origin: germline.
Comment: This sequence change affects the initiator methionine of the CCT5 mRNA. The next in-frame methionine is located at codon 4. This variant is not present in population databases (ExAC no frequency). This variant has not been reported in the literature in individuals with CCT5-related conditions. Experimental studies and prediction algorithms are not available or were not evaluated, and the functional significance of this variant is currently unknown. In summary, the available evidence is currently insufficient to determine the role of this variant in disease. Therefore, it has been classified as a Variant of Uncertain Significance.